The following is an entry in ClinVar:

ClinVar aggregate classification (germline): Uncertain significance (1 of 4 stars; one submission).

Allele frequency attached by ClinVar (database versions not stated): gnomAD exomes below 0.00001; ExAC 0.00001; gnomAD 0.00003.
gnomAD v4.1: 6 of 1,611,854 alleles (0.00037%); highest among the groups gnomAD compares: Admixed American, 0.0083%; no homozygotes.

Submission:

Labcorp Genetics (formerly Invitae), Labcorp
Classification: Uncertain significance. Last evaluated: 2022-01-18. Review status: criteria provided, single submitter. Criteria: Invitae Variant Classification Sherloc (09022015). Collection method: clinical testing. Allele origin: germline.
Comment: In summary, the available evidence is currently insufficient to determine the role of this variant in disease. Therefore, it has been classified as a Variant of Uncertain Significance. Advanced modeling of protein sequence and biophysical properties (such as structural, functional, and spatial information, amino acid conservation, physicochemical variation, residue mobility, and thermodynamic stability) performed at Invitae indicates that this missense variant is not expected to disrupt SPTBN2 protein function. This variant has not been reported in the literature in individuals affected with SPTBN2-related conditions. This variant is present in population databases (rs758239560, gnomAD 0.006%). This sequence change replaces leucine, which is neutral and non-polar, with phenylalanine, which is neutral and non-polar, at codon 1345 of the SPTBN2 protein (p.Leu1345Phe).

NM_006946.4(SPTBN2):c.4033C>T (p.Leu1345Phe)

Gene: SPTBN2 (spectrin beta, non-erythrocytic 2; minus strand). Cytogenetic location: 11q13.2.
Variant type: single nucleotide variant.
Coding change: c.4033C>T on transcript NM_006946.4 (MANE Select); coding-DNA position 4033, C replaced by T.
Protein change: p.Leu1345Phe; replaces leucine 1345 with phenylalanine.
Molecular consequence: missense variant.
Genome position (GRCh38, 1-based): chr11:66,696,522, G>A on the plus strand (C>T on the coding strand, the complement: SPTBN2 is on the minus strand). VCF-style: chr11-66696522-G-A. GRCh37 (hg19) VCF-style: chr11-66463993-G-A.
Other names: c.4054C>T, p.Leu1352Phe (NM_001411025.1); short protein forms L1345F, L1352F.
Identifiers: ClinVar variation 2172004 (VCV002172004.4), dbSNP rs758239560, ClinGen allele CA6128676.